The following is an entry in ClinVar:

ClinVar aggregate classification (germline): Uncertain significance (1 of 4 stars; one submission).

Submission:

Labcorp Genetics (formerly Invitae), Labcorp
Classification: Uncertain significance. Last evaluated: 2023-08-10. Review status: criteria provided, single submitter. Criteria: Invitae Variant Classification Sherloc (09022015). Collection method: clinical testing. Allele origin: germline.
Comment: This sequence change replaces glycine, which is neutral and non-polar, with aspartic acid, which is acidic and polar, at codon 8 of the ZCCHC8 protein (p.Gly8Asp). This variant is not present in population databases (gnomAD no frequency). In summary, the available evidence is currently insufficient to determine the role of this variant in disease. Therefore, it has been classified as a Variant of Uncertain Significance. Experimental studies and prediction algorithms are not available or were not evaluated, and the functional significance of this variant is currently unknown. ClinVar contains an entry for this variant (Variation ID: 2003777). This variant has not been reported in the literature in individuals affected with ZCCHC8-related conditions.

NM_017612.5(ZCCHC8):c.23G>A (p.Gly8Asp)

Gene: ZCCHC8 (zinc finger CCHC-type containing 8; minus strand). Cytogenetic location: 12q24.31.
Variant type: single nucleotide variant.
Coding change: c.23G>A on transcript NM_017612.5 (MANE Select); coding-DNA position 23, G replaced by A.
Protein change: p.Gly8Asp; replaces glycine 8 with aspartic acid.
Molecular consequence: missense variant. On other transcripts: 5 prime UTR variant (3).
Genome position (GRCh38, 1-based): chr12:122,500,818, C>T on the plus strand (G>A on the coding strand, the complement: ZCCHC8 is on the minus strand). VCF-style: chr12-122500818-C-T. GRCh37 (hg19) VCF-style: chr12-122985365-C-T.
Other names: c.23G>A, p.Gly8Asp (NM_001350935.2); c.-901G>A (NM_001350936.2); c.-522G>A (NM_001350937.2); c.-416G>A (NM_001350938.2); short protein forms G8D.
Identifiers: ClinVar variation 2003777 (VCV002003777.4), dbSNP rs2137382608, ClinGen allele CA482211052.